The following is an entry in ClinVar:

ClinVar aggregate classification (germline): Conflicting classifications of pathogenicity. Review status: criteria provided, conflicting classifications (1 of 4 stars). 3 submissions from 3 submitters: Uncertain significance (2); Likely benign (1). Last evaluated 2026-04-04.

Allele frequency attached by ClinVar (database versions not stated): gnomAD exomes 0.00007 and 0.00017; 1000 Genomes Project 0.00100; ExAC 0.00032; TOPMed 0.00069; gnomAD 0.00077 and 0.00073; ESP Exome Variant Server 0.00085; 1000 Genomes Project 30x 0.00094.
gnomAD v4.1: 211 of 1,612,874 alleles (0.013%); highest among the groups gnomAD compares: African/African-American, 0.27%; no homozygotes.

Submissions (3):

GeneDx
Classification: Uncertain significance. Last evaluated: 2026-04-04. Review status: criteria provided, single submitter. Criteria: GeneDx Variant Classification Process June 2021. Collection method: clinical testing. Allele origin: germline.
Comment: In silico analysis suggests that this missense variant does not alter protein structure/function; Has not been previously published as pathogenic or benign to our knowledge

Labcorp Genetics (formerly Invitae), Labcorp
Classification: Likely benign. Last evaluated: 2025-07-29. Review status: criteria provided, single submitter. Criteria: Invitae Variant Classification Sherloc (09022015). Collection method: clinical testing. Allele origin: germline.

Mayo Clinic Laboratories, Mayo Clinic
Classification: Uncertain significance. Last evaluated: 2020-08-04. Review status: criteria provided, single submitter. Criteria: ACMG Guidelines, 2015. Collection method: clinical testing. Allele origin: germline. Observed: 1 variant allele.

NM_000666.3(ACY1):c.332C>T (p.Ala111Val)

Genes: ABHD14A-ACY1 (ABHD14A-ACY1 readthrough; plus strand), ACY1 (aminoacylase 1; plus strand). Cytogenetic location: 3p21.2.
Variant type: single nucleotide variant.
Coding change: c.332C>T on transcript NM_000666.3 (MANE Select); coding-DNA position 332, C replaced by T.
Protein change: p.Ala111Val; replaces alanine 111 with valine.
Molecular consequence: missense variant. On other transcripts: intron variant (1).
Genome position (GRCh38, 1-based): chr3:51,985,919, C>T. VCF-style: chr3-51985919-C-T. GRCh37 (hg19) VCF-style: chr3-52019935-C-T.
Other names: c.602C>T, p.Ala201Val (NM_001316331.2); c.332C>T, p.Ala111Val (NM_001198895.2, NM_001198897.2); c.227C>T, p.Ala76Val (NM_001198898.2); c.310+22C>T (NM_001198896.2); short protein forms A111V, A201V, A76V.
Identifiers: ClinVar variation 1163248 (VCV001163248.10), dbSNP rs149475049, ClinGen allele CA2428428.
Genomic context (GRCh38, chr3:51,985,919, plus strand): 5'-GGAGTCACGACCCCTTTGAGGCCTTCAAGGATTCTGAGGGCTACATCTATGCCAGGGGTG[C>T]CCAGGACATGAAGTGCGTCAGCATCCAGTGAGTGTCCTCCATTCCTACTCCTCCACAATG-3'
Protein context (NP_000657.1, residues 101-121): DSEGYIYARG[Ala111Val]QDMKCVSIQY